The following is an entry in ClinVar:

ClinVar aggregate classification (germline): Pathogenic (1 of 4 stars; one submission).

Conditions:
Asphyxiating thoracic dystrophy 3. Also called: Saldino-Noonan Syndrome; SHORT-RIB THORACIC DYSPLASIA 3 WITH OR WITHOUT POLYDACTYLY; POLYDACTYLY WITH NEONATAL CHONDRODYSTROPHY, TYPE I; SHORT-RIB THORACIC DYSPLASIA 3/6 WITH POLYDACTYLY, DIGENIC; Short rib polydactyly syndrome 2B. Identifiers: Orphanet 474, Orphanet 93269, Orphanet 93270, Orphanet 93271, MedGen C0036069, MONDO:0013127, OMIM 613091.

Submission:

Myriad Genetics, Inc.
Classification: Pathogenic for Asphyxiating thoracic dystrophy 3. Last evaluated: 2024-10-25. Review status: criteria provided, single submitter. Criteria: Myriad Autosomal Dominant, Autosomal Recessive and X-Linked Classification Criteria (2023). Collection method: clinical testing. Allele origin: unknown.
Comment: NM_001377.2(DYNC2H1):c.2647G>T(E883*) is expected to be pathogenic in the context of DYNC2H1-related disorders. This variant is predicted to lead to an abnormal or absent protein product due to the creation of a premature termination codon in DYNC2H1, a gene where loss-of-function variants are known to be pathogenic. Please note: this variant was assessed in the context of healthy population screening.

NM_001377.3(DYNC2H1):c.2647G>T (p.Glu883Ter)

Gene: DYNC2H1 (dynein cytoplasmic 2 heavy chain 1; plus strand). Cytogenetic location: 11q22.3.
Variant type: single nucleotide variant.
Coding change: c.2647G>T on transcript NM_001377.3 (MANE Select); coding-DNA position 2647, G replaced by T.
Protein change: p.Glu883Ter; replaces glutamic acid 883 with a stop codon.
Molecular consequence: nonsense.
Genome position (GRCh38, 1-based): chr11:103,143,340, G>T. VCF-style: chr11-103143340-G-T. GRCh37 (hg19) VCF-style: chr11-103014069-G-T.
Other names: c.2647G>T, p.Glu883Ter (NM_001080463.2); short protein forms E883*.
Identifiers: ClinVar variation 5013678 (VCV005013678.1).